The following is an entry in ClinVar:

ClinVar aggregate classification (germline): Conflicting classifications of pathogenicity. Review status: criteria provided, conflicting classifications (1 of 4 stars). 3 submissions from 3 submitters: Uncertain significance (2); Likely benign (1). Last evaluated 2026-01-04.

Conditions:
Inborn genetic diseases. Identifiers: MedGen C0950123, MeSH D030342.

Submissions (3):

Labcorp Genetics (formerly Invitae), Labcorp
Classification: Likely benign. Last evaluated: 2026-01-04. Review status: criteria provided, single submitter. Criteria: Invitae Variant Classification Sherloc (09022015). Collection method: clinical testing. Allele origin: germline.

GeneDx
Classification: Uncertain significance. Last evaluated: 2025-08-12. Review status: criteria provided, single submitter. Criteria: GeneDx Variant Classification Process June 2021. Collection method: clinical testing. Allele origin: germline. Affected: yes.
Comment: Has not been previously published as pathogenic or benign to our knowledge; In silico analysis is inconclusive as to whether the variant alters gene splicing. In the absence of RNA/functional studies, the actual effect of this sequence change is unknown

Ambry Genetics
Classification: Uncertain significance for Inborn genetic diseases. Last evaluated: 2019-04-09. Review status: criteria provided, single submitter. Criteria: Ambry Variant Classification Scheme 2023. Collection method: clinical testing. Allele origin: germline.
Comment: The c.4918-4_4918-3delGT intronic variant, located in intron 34 of the SZT2 gene, results from a deletion of two nucleotides within intron 34 of the SZT2 gene. These nucleotide positions are not well conserved in available vertebrate species. Using the BDGP and ESEfinder splice site prediction tools, this alteration is predicted to weaken the efficiency of the native splice acceptor site; however, direct evidence is unavailable. Since supporting evidence is limited at this time, the clinical significance of this alteration remains unclear.

NM_001365999.1(SZT2):c.5089-4_5089-3del

Gene: SZT2 (SZT2 subunit of KICSTOR complex; plus strand). Cytogenetic location: 1p34.2.
Variant type: Deletion.
Coding change: c.5089-4_5089-3del on transcript NM_001365999.1 (MANE Select); 4 bases into the intron before coding-DNA position 5089 through 3 bases into the intron before coding-DNA position 5089, 2 bases deleted (GT; older notation c.5089-4_5089-3delGT).
Molecular consequence: intron variant.
Genome position (GRCh38, 1-based): chr1:43,431,712-43,431,713, GT deleted; deleting any 2 consecutive bases within chr1:43,431,711-43,431,713 gives the same sequence; the c. name uses the placement nearest the transcript's 3' end. VCF-style (leftmost placement, unchanged base first): chr1-43431710-CTG-C. GRCh37 (hg19) VCF-style: chr1-43897381-CTG-C.
Other names: c.4918-4_4918-3del (NM_015284.4, NM_015284.3).
Identifiers: ClinVar variation 697301 (VCV000697301.16), dbSNP rs762645558, ClinGen allele CA809487.
Genomic context (GRCh38, chr1:43,431,710, plus strand): 5'-CCGGGAGTAAGGGGATGCCCAAGGAAGCAAGGGAGATGCCCTTTGTCACTTGCTGTCTAA[CTG>C]TAGATCCGCTGGTTGTTGGAAGATGAGATGGTGGGGGCACTCCGAAGAGGGGGCATCCCA-3'